The following is an entry in ClinVar:

ClinVar aggregate classification (germline): Likely benign. Review status: criteria provided, single submitter (1 of 4 stars). 2 submissions from 2 submitters: Likely benign (1). 1 of the submissions does not count toward it. Last evaluated 2026-01-05.

Conditions:
Peroxisome biogenesis disorder 11A (Zellweger). Also called: Peroxisome biogenesis disorder 11A. Identifiers: Orphanet 912, MedGen C3554000, MONDO:0013949, OMIM 614883.
PEX13-related disorder. Also called: PEX13-related condition; PEX13-related disorders.

Allele frequency attached by ClinVar (database versions not stated): gnomAD 0.00001; TOPMed 0.00002; ExAC 0.00003; gnomAD exomes 0.00004; 1000 Genomes Project 30x 0.00016; 1000 Genomes Project 0.00020.
gnomAD v4.1: 13 of 1,614,142 alleles (0.00081%); highest among the groups gnomAD compares: East Asian, 0.029%; no homozygotes.

Submissions (2):

Labcorp Genetics (formerly Invitae), Labcorp
Classification: Likely benign for Peroxisome biogenesis disorder 11A (Zellweger). Last evaluated: 2026-01-05. Review status: criteria provided, single submitter. Criteria: Invitae Variant Classification Sherloc (09022015). Collection method: clinical testing. Allele origin: germline.

PreventionGenetics, part of Exact Sciences
Classification: Likely benign for PEX13-related condition. Last evaluated: 2022-10-01. Review status: no assertion criteria provided. Collection method: clinical testing. Allele origin: germline. Not counted in ClinVar's aggregate classification.
Comment: This variant is classified as likely benign based on ACMG/AMP sequence variant interpretation guidelines (Richards et al. 2015 PMID: 25741868, with internal and published modifications).

NM_002618.4(PEX13):c.156C>T (p.Pro52=)

Gene: PEX13 (peroxisomal biogenesis factor 13; plus strand). Cytogenetic location: 2p15.
Variant type: single nucleotide variant.
Coding change: c.156C>T on transcript NM_002618.4 (MANE Select); coding-DNA position 156, C replaced by T.
Protein change: p.Pro52=; no amino-acid change (proline 52 retained).
Molecular consequence: synonymous variant.
Genome position (GRCh38, 1-based): chr2:61,031,482, C>T. VCF-style: chr2-61031482-C-T. GRCh37 (hg19) VCF-style: chr2-61258617-C-T.
Other names: c.156C>T (NM_002618.3).
Identifiers: ClinVar variation 1528673 (VCV001528673.10), dbSNP rs562629125, ClinGen allele CA1673250.
Genomic context (GRCh38, chr2:61,031,482, plus strand): 5'-TGCTGATTTGGGTCCTACTTTAATGACAAGACCTGGACAACCAGCACTTACCAGAGTGCC[C>T]CCACCTATTCTTCCAAGGCCATCACAGCAGACAGGAAGTAGCAGTGTGAACACTTTTAGA-3'
Protein context (NP_002609.1, residues 42-62): RPGQPALTRV[Pro52=]PPILPRPSQQ